The following is an entry in ClinVar:

NM_001871.3(CPB1):c.192C>T (p.His64=)

Gene: CPB1 (carboxypeptidase B1; plus strand). Cytogenetic location: 3q24.
Variant type: single nucleotide variant.
Coding change: c.192C>T on transcript NM_001871.3 (MANE Select); coding-DNA position 192, C replaced by T.
Protein change: p.His64=; no amino-acid change (histidine 64 retained).
Molecular consequence: synonymous variant.
Genome position (GRCh38, 1-based): chr3:148,834,542, C>T. VCF-style: chr3-148834542-C-T. GRCh37 (hg19) VCF-style: chr3-148552329-C-T.
Identifiers: ClinVar variation 3033459 (VCV003033459.2), dbSNP rs146944241, ClinGen allele CA2657543.

ClinVar aggregate classification (germline): Likely benign (0 of 4 stars; one submission).

Conditions:
CPB1-related disorder. Also called: CPB1-related condition.

Allele frequency attached by ClinVar (database versions not stated): 1000 Genomes Project 30x 0.00016; 1000 Genomes Project 0.00020; TOPMed 0.00092; gnomAD 0.00100; ExAC 0.00119; ESP Exome Variant Server 0.00131; gnomAD exomes 0.00158.
gnomAD v4.1: 2,428 of 1,613,568 alleles (0.15%); highest among the groups gnomAD compares: Non-Finnish European, 0.19%; no homozygotes.

Submission:

PreventionGenetics, part of Exact Sciences
Classification: Likely benign for CPB1-related condition. Last evaluated: 2019-11-08. Review status: no assertion criteria provided. Collection method: clinical testing. Allele origin: germline.
Comment: This variant is classified as likely benign based on ACMG/AMP sequence variant interpretation guidelines (Richards et al. 2015 PMID: 25741868, with internal and published modifications).